The following is an entry in ClinVar:

NM_000069.3(CACNA1S):c.2447T>C (p.Leu816Pro)

Gene: CACNA1S (calcium voltage-gated channel subunit alpha1 S; minus strand). Cytogenetic location: 1q32.1.
Variant type: single nucleotide variant.
Coding change: c.2447T>C on transcript NM_000069.3 (MANE Select); coding-DNA position 2447, T replaced by C.
Protein change: p.Leu816Pro; replaces leucine 816 with proline.
Molecular consequence: missense variant.
Genome position (GRCh38, 1-based): chr1:201,069,515, A>G on the plus strand (T>C on the coding strand, the complement: CACNA1S is on the minus strand). VCF-style: chr1-201069515-A-G. GRCh37 (hg19) VCF-style: chr1-201038643-A-G.
Other names: short protein forms L816P.
Identifiers: ClinVar variation 1909286 (VCV001909286.5), dbSNP rs1478780553, ClinGen allele CA344106944.

ClinVar aggregate classification (germline): Uncertain significance (1 of 4 stars; one submission).

Conditions:
Hypokalemic periodic paralysis, type 1. Also called: Hypokalemic Periodic Paralysis Type 1 (AD); HypoPP. Identifiers: Orphanet 681, MedGen C3714580, MONDO:0042979, OMIM 170400.
Malignant hyperthermia, susceptibility to, 5 (MHS5). Also called: CACNA1S-Related Malignant Hyperthermia Susceptibility. Identifiers: Orphanet 423, MedGen C1866077, MONDO:0011163, OMIM 601887.

Submission:

Labcorp Genetics (formerly Invitae), Labcorp
Classification: Uncertain significance for Hypokalemic periodic paralysis, type 1; Malignant hyperthermia, susceptibility to, 5. Last evaluated: 2022-04-05. Review status: criteria provided, single submitter. Criteria: Invitae Variant Classification Sherloc (09022015). Collection method: clinical testing. Allele origin: germline.
Comment: In summary, the available evidence is currently insufficient to determine the role of this variant in disease. Therefore, it has been classified as a Variant of Uncertain Significance. Algorithms developed to predict the effect of missense changes on protein structure and function (SIFT, PolyPhen-2, Align-GVGD) all suggest that this variant is likely to be disruptive. This variant has not been reported in the literature in individuals affected with CACNA1S-related conditions. This variant is not present in population databases (gnomAD no frequency). This sequence change replaces leucine, which is neutral and non-polar, with proline, which is neutral and non-polar, at codon 816 of the CACNA1S protein (p.Leu816Pro).